The following continues an entry in ClinVar:

NM_000059.4(BRCA2):c.4449del (p.Asp1484fs)

Gene: BRCA2. ClinVar aggregate classification (germline): Pathogenic. Pathogenic (1).

Submissions 9 to 28 of 28:

All of Us Research Program, National Institutes of Health
Classification: Pathogenic for BRCA2-related cancer predisposition. Last evaluated: 2024-09-16. Review status: criteria provided, single submitter. Criteria: ACMG Guidelines, 2015. Collection method: clinical testing. Allele origin: germline. Inheritance: Autosomal dominant inheritance. Observed: 2 variant alleles, 2 heterozygotes. Not counted in ClinVar's aggregate classification.
Comment: This variant deletes 1 nucleotide in exon 11 of the BRCA2 gene, creating a frameshift and premature translation stop signal. This variant is expected to result in an absent or non-functional protein product. This variant has been reported in at least five individuals affected with breast, ovarian and prostate cancer (PMID: 20104584, 25111659, 27767231, 29053726; Color internal data) and in suspected hereditary breast and ovarian cancer families (PMID: 11802209, 16683254, 29446198). This variant has been detected in a breast cancer case-control meta-analysis in 1/60466 cases and 1/53461 unaffected individuals (PMID: 33471991; Leiden Open Variation Database DB-ID BRCA2_001679). A multifactorial analysis has reported a likelihood ratio for pathogenicity based on personal and family health history of 94.508 (PMID: 31853058). This variant has not been identified in the general population by the Genome Aggregation Database (gnomAD). Loss of BRCA2 function is a known mechanism of disease. Based on the available evidence, this variant is classified as Pathogenic.

This study involves interpretation of variants in research participants for the purpose of population health screening. Participant phenotype was not available at the time of variant classification. Additional details can be found in publication PMID: 35346344, PMCID: PMC8962531

Color Diagnostics, LLC DBA Color Health
Classification: Pathogenic for Hereditary cancer-predisposing syndrome. Last evaluated: 2024-08-23. Review status: criteria provided, single submitter. Criteria: ACMG Guidelines, 2015. Collection method: clinical testing. Allele origin: germline. Not counted in ClinVar's aggregate classification.
Comment: This variant deletes 1 nucleotide in exon 11 of the BRCA2 gene, creating a frameshift and premature translation stop signal. This variant is expected to result in an absent or non-functional protein product. This variant has been reported in at least five individuals affected with breast, ovarian and prostate cancer (PMID: 20104584, 25111659, 27767231, 29053726; Color internal data) and in suspected hereditary breast and ovarian cancer families (PMID: 11802209, 16683254, 29446198). This variant has been detected in a breast cancer case-control meta-analysis in 1/60466 cases and 1/53461 unaffected individuals (PMID: 33471991; Leiden Open Variation Database DB-ID BRCA2_001679). A multifactorial analysis has reported a likelihood ratio for pathogenicity based on personal and family health history of 94.508 (PMID: 31853058). This variant has not been identified in the general population by the Genome Aggregation Database (gnomAD). Loss of BRCA2 function is a known mechanism of disease. Based on the available evidence, this variant is classified as Pathogenic.

Institute of Human Genetics, University of Leipzig Medical Center
Classification: Pathogenic for Familial cancer of breast. Last evaluated: 2024-07-30. Review status: criteria provided, single submitter. Criteria: ACMG Guidelines, 2015. Collection method: clinical testing. Allele origin: maternal. Inheritance: Autosomal dominant inheritance. Affected: yes. Not counted in ClinVar's aggregate classification.
Comment: Criteria applied: PVS1,PM5_STR,PM2_SUP

GeneDx
Classification: Pathogenic. Last evaluated: 2024-04-24. Review status: criteria provided, single submitter. Criteria: GeneDx Variant Classification Process June 2021. Collection method: clinical testing. Allele origin: germline. Affected: yes. Not counted in ClinVar's aggregate classification.
Comment: Frameshift variant predicted to result in protein truncation or nonsense mediated decay in a gene for which loss of function is a known mechanism of disease; Observed in individuals with a personal or family history consistent with pathogenic variants in this gene (PMID: 11802209, 15744030, 20104584, 25111659, 27767231, 34326862); Truncating variants in this gene are considered pathogenic by a well-established clinical consortium and/or database; Not observed at significant frequency in large population cohorts (gnomAD); Also known as 4677delA; This variant is associated with the following publications: (PMID: 16683254, 17403394, 24285858, 32073954, 11802209, 25111659, 18403564, 26681312, 21305653, 27226433, 20104584, 15744030, 15131399, 16684319, 27767231, 28873162, 29791287, 31589614, 28888541, 31076742, 33287145, 29053726, 29446198, 34326862, 34242281, 33471991, 37732318, 37506692)

Revvity Omics, Revvity
Classification: Pathogenic. Last evaluated: 2023-10-11. Review status: criteria provided, single submitter. Criteria: ACMG Guidelines, 2015. Collection method: clinical testing. Allele origin: germline. Not counted in ClinVar's aggregate classification.

Baylor Genetics
Classification: Pathogenic for Familial cancer of breast. Last evaluated: 2023-01-01. Review status: criteria provided, single submitter. Criteria: ACMG Guidelines, 2015. Collection method: clinical testing. Allele origin: unknown. Not counted in ClinVar's aggregate classification.

MGZ Medical Genetics Center
Classification: Pathogenic for Breast-ovarian cancer, familial, susceptibility to, 2. Last evaluated: 2022-05-30. Review status: criteria provided, single submitter. Criteria: ACMG Guidelines, 2015. Collection method: clinical testing. Allele origin: germline. Affected: yes. Observed: 1 variant allele. Not counted in ClinVar's aggregate classification.
Comment: ACMG criteria applied: PVS1, PS4, PM2_SUP

Genetics and Molecular Pathology, SA Pathology
Classification: Pathogenic for Breast-ovarian cancer, familial, susceptibility to, 2. Last evaluated: 2022-03-01. Review status: criteria provided, single submitter. Criteria: ACMG Guidelines, 2015. Collection method: clinical testing. Allele origin: germline. Affected: yes. Not counted in ClinVar's aggregate classification.
Comment: The BRCA2:c.4449del variant is classified as PATHOGENIC (ENIGMA criteria 2017) BRCA2:c.4449del is a single nucleotide deletion in exon 11 predicted to encode a frame-shift in translation of the mature mRNA with consequent premature termination of protein synthesis at codon 2 of the frame-shift, or 1485 (BRCA2:p.(Asp1484ThrfsTer2) using NP_000050.3. This is predicted to result in absent BRCA2 protein due to nonsense mediated decay (NMD). If NMD is escaped, this variant is expected to encode a truncated protein. Variants of this type are widely accepted to be pathogenic. This variant has been reviewed by the ENIGMA expert review panel: ENIGMA determine BRCA2:c.4449del as consistent with an IARC Class 5 variant equivalent to ACMG classification of Pathogenic. This variant is also reported in the literature as BRCA2 4677delA using legacy nomenclature. BRCA2:c.4449del has been reported in multiple unrelated individuals with breast, prostate, or ovarian cancer (Meindl et al., 2002, PMID:11802209, Borg et al., 2010, PMID:20104584, Weren et al., 2017, PMID:27767231, Maier et al., 2014, PMID:25111659). BRCA2:c.4449del (rs80359448) is absent from population databases and is not on record in FLOSSIES. BRCA2:c.4449del is on record in ClinVar (Variation ID:37904) reported by multiple clinical laboratories without conflict as pathogenic in association with hereditary breast and ovarian cancer syndrome. This variant is listed in HGMD as ‘disease causing mutation’ in association with breast and/or ovarian cancer (Accession:CD021793).

Sema4
Classification: Pathogenic for Hereditary cancer-predisposing syndrome. Last evaluated: 2022-01-06. Review status: criteria provided, single submitter. Criteria: Sema4 Curation Guidelines. Collection method: curation. Allele origin: germline. Not counted in ClinVar's aggregate classification.
Comment: The BRCA2 c.4449delA (p.D1484TfsX2) variant has been reported in heterozygosity in at least 10 individuals with breast, ovarian, and/or prostate cancers (PMID: 29446198, 29053726, 25111659, 20104584, among others). It is also known as c.4677delA in the literature. This variant causes a frameshift at amino acid 1484 that results in premature termination 2 amino acids downstream. At this location, nonsense-mediated decay is predicted to occur, resulting in an absent protein (loss of function). Loss of function variants in BRCA2 are known to be pathogenic (PMID: 29446198). This variant is not reported in the population database Genome Aggregation Database (PMID: 32461654), and has been reported in ClinVar (Variation ID: 37904). Based on the current evidence available, this variant is interpreted as pathogenic.

Consortium of Investigators of Modifiers of BRCA1/2 (CIMBA), c/o University of Cambridge
Classification: Pathogenic for Breast-ovarian cancer, familial, susceptibility to, 2. Last evaluated: 2015-10-02. Review status: criteria provided, single submitter. Criteria: CIMBA Mutation Classification guidelines May 2016. Collection method: clinical testing. Allele origin: germline. Not counted in ClinVar's aggregate classification.

Clinical Genetics DNA and cytogenetics Diagnostics Lab, Erasmus MC, Erasmus Medical Center
Classification: Pathogenic for Breast-ovarian cancer, familial, susceptibility to, 2. Last evaluated: 2015-09-21. Review status: criteria provided, single submitter. Criteria: ACGS Guidelines, 2013. Collection method: clinical testing. Allele origin: germline. Affected: yes. Study: VKGL Data-share Consensus. Not counted in ClinVar's aggregate classification.

Genesis Genomics
Classification: Pathogenic for Pancreatic cancer, susceptibility to, 2. Review status: criteria provided, single submitter. Criteria: ACMG Guidelines, 2015. Collection method: clinical testing. Allele origin: germline. Affected: yes. Observed: 1 variant allele. Not counted in ClinVar's aggregate classification.

German Consortium for Hereditary Breast and Ovarian Cancer, University Hospital Cologne
Classification: Pathogenic for Ovarian neoplasm. Last evaluated: 2018-12-01. Review status: no assertion criteria provided. Collection method: research. Allele origin: germline. Affected: yes. Not counted in ClinVar's aggregate classification.

Counsyl
Classification: Pathogenic for Breast-ovarian cancer, familial, susceptibility to, 2. Last evaluated: 2016-05-27. Review status: no assertion criteria provided. Collection method: clinical testing. Allele origin: unknown. Not counted in ClinVar's aggregate classification.

Research Molecular Genetics Laboratory, Women's College Hospital, University of Toronto
Classification: Pathogenic for Hereditary breast ovarian cancer syndrome. Last evaluated: 2014-01-31. Review status: no assertion criteria provided. Collection method: research. Allele origin: germline. Affected: yes. Study: The Canadian Open Genetics Repository (COGR). Not counted in ClinVar's aggregate classification.

Sharing Clinical Reports Project (SCRP)
Classification: Pathogenic for Breast-ovarian cancer, familial 2. Last evaluated: 2012-03-19. Review status: no assertion criteria provided. Collection method: clinical testing. Allele origin: germline. Not counted in ClinVar's aggregate classification.

Breast Cancer Information Core (BIC) (BRCA2)
Classification: Pathogenic for Breast-ovarian cancer, familial 2. Last evaluated: 2002-05-29. Review status: no assertion criteria provided. Collection method: clinical testing. Allele origin: germline. Affected: yes. Observed: 5 variant alleles. Not counted in ClinVar's aggregate classification.

Clinical Genetics Laboratory, Department of Pathology, Netherlands Cancer Institute
Classification: Pathogenic. Review status: no assertion criteria provided. Collection method: clinical testing. Allele origin: germline. Affected: yes. Study: VKGL Data-share Consensus. Not counted in ClinVar's aggregate classification.

Diagnostic Laboratory, Department of Genetics, University Medical Center Groningen
Classification: Pathogenic for Breast-ovarian cancer, familial, susceptibility to, 2. Review status: no assertion criteria provided. Collection method: clinical testing. Allele origin: germline. Affected: yes. Study: VKGL Data-share Consensus. Not counted in ClinVar's aggregate classification.

Joint Genome Diagnostic Labs from Nijmegen and Maastricht, Radboudumc and MUMC+
Classification: Pathogenic. Review status: no assertion criteria provided. Collection method: clinical testing. Allele origin: germline. Affected: yes. Study: VKGL Data-share Consensus. Not counted in ClinVar's aggregate classification.

Literature cited by the submitters: PubMed 20104584 (cited by 9 submitters); PubMed 11802209 (cited by 7 submitters); PubMed 15131399 (cited by Women's Health and Genetics/Laboratory Corporation of America, LabCorp); PubMed 16912212 (cited by Women's Health and Genetics/Laboratory Corporation of America, LabCorp); PubMed 15744030 (cited by 3 submitters); PubMed 17403394 (cited by Women's Health and Genetics/Laboratory Corporation of America, LabCorp); PubMed 20167696 (cited by Women's Health and Genetics/Laboratory Corporation of America, LabCorp); PubMed 18403564 (cited by Women's Health and Genetics/Laboratory Corporation of America, LabCorp); PubMed 16683254 (cited by 3 submitters); PubMed 22535016 (cited by Women's Health and Genetics/Laboratory Corporation of America, LabCorp); PubMed 24285858 (cited by Women's Health and Genetics/Laboratory Corporation of America, LabCorp); PubMed 16684319 (cited by Women's Health and Genetics/Laboratory Corporation of America, LabCorp); PubMed 25111659 (cited by 6 submitters); PubMed 26681312 (cited by Quest Diagnostics Nichols Institute San Juan Capistrano); PubMed 27767231 (cited by 4 submitters); PubMed 31589614 (cited by Quest Diagnostics Nichols Institute San Juan Capistrano); PubMed 32073954 (cited by Quest Diagnostics Nichols Institute San Juan Capistrano); PubMed 33471991 (cited by 3 submitters); PubMed 29053726 (cited by 3 submitters); PubMed 29446198 (cited by 3 submitters); PubMed 31853058 (cited by All of Us Research Program, National Institutes of Health and Color Diagnostics, LLC DBA Color Health).